The following is an entry in ClinVar:

ClinVar aggregate classification (germline): Uncertain significance. Review status: criteria provided, multiple submitters, no conflicts (2 of 4 stars). 2 submissions from 2 submitters: Uncertain significance (2). Last evaluated 2025-04-10.

Allele frequency attached by ClinVar (database versions not stated): gnomAD exomes 0.00001; TOPMed 0.00001; ExAC 0.00005.
gnomAD v4.1: 4 of 1,504,084 alleles (0.00027%); highest among the groups gnomAD compares: Admixed American, 0.0076%; no homozygotes.

Submissions (2):

Ambry Genetics
Classification: Uncertain significance. Last evaluated: 2025-04-10. Review status: criteria provided, single submitter. Criteria: Ambry Variant Classification Scheme 2023. Collection method: clinical testing. Allele origin: germline.

Labcorp Genetics (formerly Invitae), Labcorp
Classification: Uncertain significance. Last evaluated: 2021-12-26. Review status: criteria provided, single submitter. Criteria: Invitae Variant Classification Sherloc (09022015). Collection method: clinical testing. Allele origin: germline.
Comment: Algorithms developed to predict the effect of missense changes on protein structure and function (SIFT, PolyPhen-2, Align-GVGD) all suggest that this variant is likely to be tolerated. In summary, the available evidence is currently insufficient to determine the role of this variant in disease. Therefore, it has been classified as a Variant of Uncertain Significance. This sequence change replaces threonine, which is neutral and polar, with lysine, which is basic and polar, at codon 505 of the ATP4A protein (p.Thr505Lys). The frequency data for this variant in the population databases is considered unreliable, as metrics indicate poor data quality at this position in the gnomAD database. This variant has not been reported in the literature in individuals affected with ATP4A-related conditions.

NM_000704.3(ATP4A):c.1514C>A (p.Thr505Lys)

Gene: ATP4A (ATPase H+/K+ transporting subunit alpha; minus strand). Cytogenetic location: 19q13.12.
Variant type: single nucleotide variant.
Coding change: c.1514C>A on transcript NM_000704.3 (MANE Select); coding-DNA position 1514, C replaced by A.
Protein change: p.Thr505Lys; replaces threonine 505 with lysine.
Molecular consequence: missense variant.
Genome position (GRCh38, 1-based): chr19:35,557,834, G>T on the plus strand (C>A on the coding strand, the complement: ATP4A is on the minus strand). VCF-style: chr19-35557834-G-T. GRCh37 (hg19) VCF-style: chr19-36048736-G-T.
Other names: c.1514C>A (NM_000704.2); short protein forms T505K.
Identifiers: ClinVar variation 1953270 (VCV001953270.6), dbSNP rs748995904, ClinGen allele CA9381029.
Genomic context (GRCh38, chr19:35,557,834, plus strand): 5'-ACGCGCTCGGGGGCGCCCTTCATCACCAGCAAGTGTCGCGGGTCCCGCGGGTCCTCCAGC[G>T]TATGGATGGACAGCTGTGGGCGGGGGGGAGAGGCGAGGCTGTGGACGGGGGAACGGGGCG-3'
Protein context (NP_000695.2, residues 495-515): STNKFQLSIH[Thr505Lys]LEDPRDPRHL